The following is an entry in ClinVar:

ClinVar aggregate classification (germline): Uncertain significance (1 of 4 stars; one submission).

Submission:

GeneDx
Classification: Uncertain significance. Last evaluated: 2022-01-13. Review status: criteria provided, single submitter. Criteria: GeneDx Variant Classification Process June 2021. Collection method: clinical testing. Allele origin: germline. Affected: yes.
Comment: Not observed at significant frequency in large population cohorts (gnomAD); Predicted loss-of-function variant in a gene for which the disease mechanism is known to be gain-of-function; De novo variant with confirmed parentage; Has not been previously published as pathogenic or benign to our knowledge

NM_005633.4(SOS1):c.40G>T (p.Glu14Ter)

Genes: SOS1 (SOS Ras/Rac guanine nucleotide exchange factor 1; minus strand), LOC129933535 (ATAC-STARR-seq lymphoblastoid silent region 11384; plus strand). Cytogenetic location: 2p22.1.
Variant type: single nucleotide variant.
Coding change: c.40G>T on transcript NM_005633.4 (MANE Select); coding-DNA position 40, G replaced by T.
Protein change: p.Glu14Ter; replaces glutamic acid 14 with a stop codon.
Molecular consequence: nonsense. On other transcripts: intron variant (1).
Genome position (GRCh38, 1-based): chr2:39,120,383, C>A on the plus strand (G>T on the coding strand, the complement: SOS1 is on the minus strand). VCF-style: chr2-39120383-C-A. GRCh37 (hg19) VCF-style: chr2-39347524-C-A.
Other names: c.40G>T, p.Glu14Ter (NM_001382395.1); c.66+4281G>T (NM_001382394.1); short protein forms E14*.
Identifiers: ClinVar variation 1697173 (VCV001697173.2), dbSNP rs2148243262, ClinGen allele CA346374693.
Genomic context (GRCh38, chr2:39,120,383, plus strand): 5'-GCGTGCTCCTCACCTTTTTCAGCGCAGGCACCAGTAGTCCCCGCCACTTGGGCGCGTTCT[C>A]TTCGCTGAAAAACTCGTAGGGCAGCTGCTGCGCCTGCATGGTGCCCCCGGGGCGCCTCTG-3'